The following is an entry in ClinVar:

ClinVar aggregate classification (germline): Pathogenic (1 of 4 stars; one submission).

Conditions:
Ataxia-telangiectasia syndrome (AT). Also called: ATAXIA-TELANGIECTASIA, COMPLEMENTATION GROUP A; ATAXIA-TELANGIECTASIA, FRESNO VARIANT; Ataxia-telangiectasia; Ataxia-telangiectasia, complementation group E; Ataxia telangiectasia (A-T); LOUIS-BAR SYNDROME. Identifiers: Orphanet 100, MedGen C0004135, MONDO:0008840, OMIM 208900.

Submission:

Labcorp Genetics (formerly Invitae), Labcorp
Classification: Pathogenic for Ataxia-telangiectasia syndrome. Last evaluated: 2024-10-31. Review status: criteria provided, single submitter. Criteria: Invitae Variant Classification Sherloc (09022015). Collection method: clinical testing. Allele origin: germline.
Comment: This sequence change inserts a large fragment of DNA, likely a transposable element, in exon 22 of the ATM gene (c.3183_3184ins?), causing a frameshift at codon 1062 (p.Asn1062fs). The exact size and sequence of the insertion cannot be determined by the current assay. However, the insertion is expected to result in an absent or disrupted protein product. This variant is not present in population databases (gnomAD no frequency). This variant has not been reported in the literature in individuals affected with ATM-related conditions. Retrotransposon insertions including LINE1 (L1), Alu, and SVA (SINE-VNTR-Alu) have been reported to be disease-causing through disruption of either a coding region or splice site (PMID: 19763152, 20307669, 22406018) and loss-of-function variants in ATM are known to be pathogenic (PMID: 23807571, 25614872). For these reasons, this variant has been classified as Pathogenic.

Literature cited by the submitters: PubMed 19763152; PubMed 20307669; PubMed 22406018; PubMed 23807571; PubMed 25614872.

NM_000051.4(ATM):c.3183_3184insCAGCTACTCGGGAGGCTGAGGCAGGAGAATGGCGTGAACCCGGGAAGCGGAGCTTGCAGTGAGCCGAGATTGCGNNNNNNNNNNAAAAAAAAAAAAAAAAAAAAAAAATGGGCCATTCTT (p.Leu1061_Asn1062insGlnLeuLeuGlyArgLeuArgGlnGluAsnGlyValAsnProGlySerGlyAlaCysSerGluProArgLeuArgXaaXaaXaaLysLysLysLysLysLysLysLysTrpAlaIleLeu)

Gene: ATM (ATM serine/threonine kinase; plus strand). Cytogenetic location: 11q22.3.
Variant type: Microsatellite.
Coding change: c.3183_3184insCAGCTACTCGGGAGGCTGAGGCAGGAGAATGGCGTGAACCCGGGAAGCGGAGCTTGCAGTGAGCCGAGATTGCGNNNNNNNNNNAAAAAAAAAAAAAAAAAAAAAAAATGGGCCATTCTT on transcript NM_000051.4 (MANE Select); coding-DNA positions 3183 to 3184, CAGCTACTCGGGAGGCTGAGGCAGGAGAATGGCGTGAACCCGGGAAGCGGAGCTTGCAGTGAGCCGAGATTGCGNNNNNNNNNNAAAAAAAAAAAAAAAAAAAAAAAATGGGCCATTCTT inserted.
Protein change: p.Leu1061_Asn1062insGlnLeuLeuGlyArgLeuArgGlnGluAsnGlyValAsnProGlySerGlyAlaCysSerGluProArgLeuArgXaaXaaXaaLysLysLysLysLysLysLysLysTrpAlaIleLeu.
Genome position: GRCh38: chr11:108,272,736-108,272,751. GRCh37 (hg19), VCF-style position (the base before the change): chr11:108,143,462.
Other names: c.3183_3184insCAGCTACTCGGGAGGCTGAGGCAGGAGAATGGCGTGAACCCGGGAAGCGGAGCTTGCAGTGAGCCGAGATTGCGNNNNNNNNNNAAAAAAAAAAAAAAAAAAAAAAAATGGGCCATTCTT, p.Leu1061_Asn1062insGlnLeuLeuGlyArgLeuArgGlnGluAsnGlyValAsnProGlySerGlyAlaCysSerGluProArgLeuArgXaaXaaXaaLysLysLysLysLysLysLysLysTrpAlaIleLeu (NM_001351834.2).
Identifiers: ClinVar variation 3724397 (VCV003724397.2).